The following is an entry in ClinVar:

ClinVar aggregate classification (germline): Uncertain significance (1 of 4 stars; one submission).

Allele frequency attached by ClinVar (database versions not stated): gnomAD exomes below 0.00001; ExAC 0.00001.
gnomAD v4.1: 7 of 1,614,094 alleles (0.00043%); highest among the groups gnomAD compares: Admixed American, 0.0017%; no homozygotes.

Submission:

Women's Health and Genetics/Laboratory Corporation of America, LabCorp
Classification: Uncertain significance. Last evaluated: 2024-01-12. Review status: criteria provided, single submitter. Criteria: LabCorp Variant Classification Summary - May 2015. Collection method: clinical testing. Allele origin: germline.
Comment: Variant summary: SIN3A c.2900G>A (p.Arg967Gln) results in a conservative amino acid change located in the Sin3, C-terminal domain (IPR031693) of the encoded protein sequence. Three of five in-silico tools predict a damaging effect of the variant on protein function. The variant allele was found at a frequency of 4e-06 in 251336 control chromosomes (gnomAD). The available data on variant occurrences in the general population are insufficient to allow any conclusion about variant significance. To our knowledge, no occurrence of c.2900G>A in individuals affected with SIN3A-Related Intellectual Disability Syndrome and no experimental evidence demonstrating its impact on protein function have been reported. No submitters have cited clinical-significance assessments for this variant to ClinVar. Based on the evidence outlined above, the variant was classified as uncertain significance.

NM_001145358.2(SIN3A):c.2900G>A (p.Arg967Gln)

Gene: SIN3A (SIN3 transcription regulator family member A; minus strand). Cytogenetic location: 15q24.2.
Variant type: single nucleotide variant.
Coding change: c.2900G>A on transcript NM_001145358.2 (MANE Select); coding-DNA position 2900, G replaced by A.
Protein change: p.Arg967Gln; replaces arginine 967 with glutamine.
Molecular consequence: missense variant.
Genome position (GRCh38, 1-based): chr15:75,389,773, C>T on the plus strand (G>A on the coding strand, the complement: SIN3A is on the minus strand). VCF-style: chr15-75389773-C-T. GRCh37 (hg19) VCF-style: chr15-75682114-C-T.
Other names: c.2900G>A, p.Arg967Gln (NM_001145357.2, NM_015477.3); short protein forms R967Q.
Identifiers: ClinVar variation 3063890 (VCV003063890.1), dbSNP rs779646300, ClinGen allele CA7667369.
Genomic context (GRCh38, chr15:75,389,773, plus strand): 5'-AACATCTCTCTCAGTGAATCTTCATACTGTGATGAGTCTATGTTGCCATCCAGCAGGCTC[C>T]GCACCATGTCCAGGAAAGCTGGGTAATAATCTTCTACATCAACATCCACTGTGGGAGAGA-3'
Protein context (NP_001138830.1, residues 957-977): DYYPAFLDMV[Arg967Gln]SLLDGNIDSS